The following is an entry in ClinVar:

NM_001123385.2(BCOR):c.1516C>T (p.Pro506Ser)

Genes: BCOR (BCL6 corepressor; minus strand), LOC126863239 (MED14-independent group 3 enhancer GRCh37_chrX:39932994-39934193; plus strand). Cytogenetic location: Xp11.4.
Variant type: single nucleotide variant.
Coding change: c.1516C>T on transcript NM_001123385.2 (MANE Select); coding-DNA position 1516, C replaced by T.
Protein change: p.Pro506Ser; replaces proline 506 with serine.
Molecular consequence: missense variant.
Genome position (GRCh38, 1-based): chrX:40,073,830, G>A on the plus strand (C>T on the coding strand, the complement: BCOR is on the minus strand). VCF-style: chrX-40073830-G-A. GRCh37 (hg19) VCF-style: chrX-39933083-G-A.
Other names: c.1516C>T, p.Pro506Ser (NM_001123383.2, NM_001123384.2, NM_017745.6); short protein forms P506S.
Identifiers: ClinVar variation 3373692 (VCV003373692.1).

ClinVar aggregate classification (germline): Uncertain significance (1 of 4 stars; one submission).

Submission:

GeneDx
Classification: Uncertain significance. Last evaluated: 2024-03-07. Review status: criteria provided, single submitter. Criteria: GeneDx Variant Classification Process June 2021. Collection method: clinical testing. Allele origin: germline. Affected: yes.
Comment: Not observed at significant frequency in large population cohorts (gnomAD); In silico analysis supports that this missense variant has a deleterious effect on protein structure/function; Has not been previously published as pathogenic or benign to our knowledge